The following is an entry in ClinVar:

ClinVar aggregate classification (germline): Likely pathogenic (1 of 4 stars; one submission).

Conditions:
Familial cancer of breast. Also called: hereditary breast carcinoma; Hereditary breast cancer; BREAST CANCER, FAMILIAL. Identifiers: Orphanet 227535, MedGen C0346153, MONDO:0016419, OMIM 114480. Disease mechanism: loss of function.

Submission:

Labcorp Genetics (formerly Invitae), Labcorp
Classification: Likely pathogenic for Familial cancer of breast. Last evaluated: 2019-11-12. Review status: criteria provided, single submitter. Criteria: Invitae Variant Classification Sherloc (09022015). Collection method: clinical testing. Allele origin: germline.
Comment: This variant has not been reported in the literature in individuals with BARD1-related conditions. This variant is not present in population databases (ExAC no frequency). This sequence change results in a premature translational stop signal in the BARD1 gene (p.Lys708Profs*6). While this is not anticipated to result in nonsense mediated decay, it is expected to disrupt the last 70 amino acids of the BARD1 protein. This variant disrupts part of the C-terminal BRCT domain of BARD1 protein, which is required for chromosome stability and homology-directed repair (PMID: 17848578). A different variant (p.Val767fs) that lies downstream of this variant has been reported to affect BARD1 protein function (PMID: 30925164), this suggests that disruption of this region of the protein is causative of disease. In summary, the currently available evidence indicates that the variant is pathogenic, but additional data are needed to prove that conclusively. Therefore, this variant has been classified as Likely Pathogenic.

Literature cited by the submitters: PubMed 17848578; PubMed 30925164.

NM_000465.4(BARD1):c.2122_2124delinsCC (p.Lys708fs)

Gene: BARD1 (BRCA1 associated RING domain 1; minus strand). Cytogenetic location: 2q35.
Variant type: Indel.
Coding change: c.2122_2124delinsCC on transcript NM_000465.4 (MANE Select); coding-DNA positions 2122 to 2124, AAG replaced by CC.
Protein change: p.Lys708fs; shifts the reading frame from lysine 708.
Molecular consequence: frameshift variant. On other transcripts: non-coding transcript variant (3).
Genome position (GRCh38, 1-based): chr2:214,728,886-214,728,888, CTT replaced by GG on the plus strand (AAG replaced by CC on the coding strand, the reverse complement: BARD1 is on the minus strand). VCF-style: chr2-214728886-CTT-GG. GRCh37 (hg19) VCF-style: chr2-215593610-CTT-GG.
Other names: c.2065_2067delinsCC, p.Lys689fs (NM_001282543.2); c.769_771delinsCC, p.Lys257fs (NM_001282545.2); c.712_714delinsCC, p.Lys238fs (NM_001282548.2); c.583_585delinsCC, p.Lys195fs (NM_001282549.2); short protein forms K708fs, K257fs, K689fs, K195fs, K238fs.
Identifiers: ClinVar variation 971359 (VCV000971359.7), dbSNP rs1692217798, ClinGen allele CA1139657669.